The following is an entry in ClinVar:

NM_019066.5(MAGEL2):c.48G>T (p.Glu16Asp)

Gene: MAGEL2 (MAGE family member L2; minus strand). Cytogenetic location: 15q11.2.
Variant type: single nucleotide variant.
Coding change: c.48G>T on transcript NM_019066.5 (MANE Select); coding-DNA position 48, G replaced by T.
Protein change: p.Glu16Asp; replaces glutamic acid 16 with aspartic acid.
Molecular consequence: missense variant.
Genome position (GRCh38, 1-based): chr15:23,647,695, C>A on the plus strand (G>T on the coding strand, the complement: MAGEL2 is on the minus strand). VCF-style: chr15-23647695-C-A. GRCh37 (hg19) VCF-style: chr15-23892842-C-A.
Other names: short protein forms E16D.
Identifiers: ClinVar variation 1328528 (VCV001328528.4), dbSNP rs2140719597, ClinGen allele CA391338024.

ClinVar aggregate classification (germline): Uncertain significance (1 of 4 stars; one submission).

Conditions:
Schaaf-Yang syndrome (SHFYNG). Also called: Arthrogryposis, distal, with hypopituitarism, intellectual disability, and facial anomalies; MAGEL2-related Prader-Willi-like syndrome. Identifiers: Orphanet 398069, MedGen C5575066, MONDO:0014243, OMIM 615547.

Submission:

Illumina Laboratory Services, Illumina
Classification: Uncertain significance for Schaaf-Yang syndrome. Last evaluated: 2021-04-01. Review status: criteria provided, single submitter. Criteria: ICSLVariantClassificationCriteria RUGD 01 April 2020. Collection method: clinical testing. Allele origin: unknown.
Comment: The MAGEL2 c.48G>T (p.Glu16Asp) variant is a missense variant. A literature search was performed for the gene, cDNA change and amino acid change. No publications were found based on this search. The variant is absent from the Genome Aggregation Database version 2.1.1, in a region of good sequencing coverage, so the variant is presumed to be rare. Based on the limited evidence, the p.Glu16Asp variant is classified as a variant of uncertain significance for Schaaf-Yang syndrome.